The following is an entry in ClinVar:

ClinVar aggregate classification (germline): Conflicting classifications of pathogenicity. Review status: criteria provided, conflicting classifications (1 of 4 stars). 2 submissions from 2 submitters: Uncertain significance (1); Likely benign (1). Last evaluated 2023-05-01.

Conditions:
Oculopharyngeal muscular dystrophy 1 (OPMD1). Identifiers: MedGen CN376802, MONDO:0958176, OMIM 164300.

Allele frequency attached by ClinVar (database versions not stated): gnomAD 0.00001.

Submissions (2):

CeGaT Center for Human Genetics Tuebingen
Classification: Likely benign. Last evaluated: 2023-05-01. Review status: criteria provided, single submitter. Criteria: CeGaT Center For Human Genetics Tuebingen Variant Classification Criteria Version 2. Collection method: clinical testing. Allele origin: germline. Affected: yes. Observed: 1 variant allele.
Comment: PABPN1: BP4

Revvity Omics, Revvity
Classification: Uncertain significance for Oculopharyngeal muscular dystrophy 1. Last evaluated: 2019-01-15. Review status: criteria provided, single submitter. Criteria: ACMG Guidelines, 2015. Collection method: clinical testing. Allele origin: germline.

NM_004643.4(PABPN1):c.26C>T (p.Ala9Val)

Genes: BCL2L2-PABPN1 (BCL2L2-PABPN1 readthrough; plus strand), PABPN1 (poly(A) binding protein nuclear 1; plus strand). Cytogenetic location: 14q11.2.
Variant type: single nucleotide variant.
Coding change: c.26C>T on transcript NM_004643.4 (MANE Select); coding-DNA position 26, C replaced by T.
Protein change: p.Ala9Val; replaces alanine 9 with valine.
Molecular consequence: missense variant. On other transcripts: intron variant (8).
Genome position (GRCh38, 1-based): chr14:23,321,495, C>T. VCF-style: chr14-23321495-C-T. GRCh37 (hg19) VCF-style: chr14-23790704-C-T.
Other names: c.26C>T, p.Ala9Val (NM_001360551.3); c.529-686C>T (NM_001387343.1, NM_001387342.1, NM_001387344.1 and 1 more transcripts); c.433-686C>T (NM_001387345.1, NM_001387346.1, NM_001199864.3); c.550-686C>T (NM_001387340.1); short protein forms A9V.
Identifiers: ClinVar variation 2434543 (VCV002434543.27), dbSNP rs1433496791, ClinGen allele CA388966977.
Genomic context (GRCh38, chr14:23,321,495, plus strand): 5'-CAATCGCCGGGCGGCGGGCCCCAGTCTGAGCGGCGATGGCGGCGGCGGCGGCGGCGGCAG[C>T]AGCAGCGGGGGCTGCGGGCGGTCGGGGCTCCGGGCCGGGGCGGCGGCGCCATCTTGTGCC-3'
Protein context (NP_004634.1, residues 1-19): MAAAAAAA[Ala9Val]AAGAAGGRGS